The following is an entry in ClinVar:

NM_005548.3(KARS1):c.612A>G (p.Thr204=)

Gene: KARS1 (lysyl-tRNA synthetase 1; minus strand). Cytogenetic location: 16q23.1.
Variant type: single nucleotide variant.
Coding change: c.612A>G on transcript NM_005548.3 (MANE Select); coding-DNA position 612, A replaced by G.
Protein change: p.Thr204=; no amino-acid change (threonine 204 retained).
Molecular consequence: synonymous variant.
Genome position (GRCh38, 1-based): chr16:75,635,969, T>C on the plus strand (A>G on the coding strand, the complement: KARS1 is on the minus strand). VCF-style: chr16-75635969-T-C. GRCh37 (hg19) VCF-style: chr16-75669867-T-C.
Other names: p.Thr232=; c.696A>G, p.Thr232= (NM_001130089.2); c.144A>G, p.Thr48= (NM_001378148.1).
Identifiers: ClinVar variation 227454 (VCV000227454.58), dbSNP rs141539149, ClinGen allele CA8177565.

ClinVar aggregate classification (germline): Benign/Likely benign. Review status: criteria provided, multiple submitters, no conflicts (2 of 4 stars). 13 submissions from 13 submitters: Benign (6); Likely benign (3). 4 of the submissions do not count toward it. Last evaluated 2026-06-01.

Conditions:
KARS1-related disorder. Also called: KARS1-related disorders.

Allele frequency attached by ClinVar (database versions not stated): gnomAD 0.00081 and 0.00085; gnomAD exomes 0.00084 and 0.00132; TOPMed 0.00108; 1000 Genomes Project 30x 0.00109; 1000 Genomes Project 0.00120; ESP Exome Variant Server 0.00123; ExAC 0.00127.

Submissions (13):

CeGaT Center for Human Genetics Tuebingen
Classification: Likely benign. Last evaluated: 2026-06-01. Review status: criteria provided, single submitter. Criteria: CeGaT Center For Human Genetics Tuebingen Variant Classification Criteria Version 2. Collection method: clinical testing. Allele origin: germline. Affected: yes. Observed: 11 variant alleles.
Comment: KARS1: BP4, BP7

Labcorp Genetics (formerly Invitae), Labcorp
Classification: Benign. Last evaluated: 2026-01-22. Review status: criteria provided, single submitter. Criteria: Invitae Variant Classification Sherloc (09022015). Collection method: clinical testing. Allele origin: germline.

Blueprint Genetics
Classification: Likely benign. Last evaluated: 2024-11-26. Review status: criteria provided, single submitter. Criteria: ACMG Guidelines, 2015. Collection method: clinical testing. Allele origin: germline.

ARUP Laboratories, Molecular Genetics and Genomics, ARUP Laboratories
Classification: Benign. Last evaluated: 2022-03-22. Review status: criteria provided, single submitter. Criteria: ARUP Molecular Germline Variant Investigation Process 2021. Collection method: clinical testing. Allele origin: germline.

Mayo Clinic Laboratories, Mayo Clinic
Classification: Benign. Last evaluated: 2019-04-17. Review status: criteria provided, single submitter. Criteria: ACMG Guidelines, 2015. Collection method: clinical testing. Allele origin: germline. Observed: 7 variant alleles.

Athena Diagnostics
Classification: Benign. Last evaluated: 2019-02-14. Review status: criteria provided, single submitter. Criteria: Athena Diagnostics Criteria. Collection method: clinical testing. Allele origin: germline.

GeneDx
Classification: Benign. Last evaluated: 2018-12-03. Review status: criteria provided, single submitter. Criteria: GeneDx Variant Classification Process June 2021. Collection method: clinical testing. Allele origin: germline. Affected: yes.

Laboratory for Molecular Medicine, Mass General Brigham Personalized Medicine
Classification: Benign. Last evaluated: 2017-04-13. Review status: criteria provided, single submitter. Criteria: LMM Criteria. Collection method: clinical testing. Allele origin: germline. Observed: 4 variant alleles.
Comment: p.Thr232Thr in exon 6 of KARS: This variant is not expected to have clinical sig nificance because it does not alter an amino acid residue and is not located wit hin the splice consensus sequence. It has been identified in 1% (129/10150) of A shkenazi Jewish chromosomes by the Genome Aggregation Database (gnomAD; dbSNP rs141539149).

Breakthrough Genomics
Classification: Likely benign. Review status: criteria provided, single submitter. Criteria: ACMG Guidelines, 2015. Collection method: not provided. Allele origin: germline. Inheritance: Autosomal recessive inheritance. Affected: yes.

PreventionGenetics, part of Exact Sciences
Classification: Benign for KARS1-related condition. Last evaluated: 2019-07-02. Review status: no assertion criteria provided. Collection method: clinical testing. Allele origin: germline. Not counted in ClinVar's aggregate classification.
Comment: This variant is classified as benign based on ACMG/AMP sequence variant interpretation guidelines (Richards et al. 2015 PMID: 25741868, with internal and published modifications).

Clinical Genetics DNA and cytogenetics Diagnostics Lab, Erasmus MC, Erasmus Medical Center
Classification: Likely benign. Review status: no assertion criteria provided. Collection method: clinical testing. Allele origin: germline. Affected: yes. Study: VKGL Data-share Consensus. Not counted in ClinVar's aggregate classification.

Clinical Genetics, Academic Medical Center
Classification: Benign. Review status: no assertion criteria provided. Collection method: clinical testing. Allele origin: germline. Affected: yes. Study: VKGL Data-share Consensus. Not counted in ClinVar's aggregate classification.

Genome Diagnostics Laboratory, University Medical Center Utrecht
Classification: Benign. Review status: no assertion criteria provided. Collection method: clinical testing. Allele origin: germline. Affected: yes. Study: VKGL Data-share Consensus. Not counted in ClinVar's aggregate classification.